The following is an entry in ClinVar:

NM_000843.4(GRM6):c.208del (p.Glu70fs)

Gene: GRM6 (glutamate metabotropic receptor 6; minus strand). Cytogenetic location: 5q35.3.
Variant type: Deletion.
Coding change: c.208del on transcript NM_000843.4 (MANE Select); coding-DNA position 208, one base deleted (G; older notation c.208delG).
Protein change: p.Glu70fs; shifts the reading frame from glutamic acid 70.
Molecular consequence: frameshift variant.
Genome position (GRCh38, 1-based): chr5:178,994,737, C deleted on the plus strand (G on the coding strand, the reverse complement: GRM6 is on the minus strand); the first of 2 consecutive C bases (chr5:178,994,737-178,994,738); deleting either gives the same sequence. VCF-style (leftmost placement, unchanged base first): chr5-178994736-TC-T. GRCh37 (hg19) VCF-style: chr5-178421737-TC-T.
Other names: short protein forms E70fs.
Identifiers: ClinVar variation 2111268 (VCV002111268.4), dbSNP rs2480408149, ClinGen allele CA2580074161.

ClinVar aggregate classification (germline): Pathogenic (1 of 4 stars; one submission).

Submission:

Labcorp Genetics (formerly Invitae), Labcorp
Classification: Pathogenic. Last evaluated: 2024-10-21. Review status: criteria provided, single submitter. Criteria: Invitae Variant Classification Sherloc (09022015). Collection method: clinical testing. Allele origin: germline.
Comment: This sequence change creates a premature translational stop signal (p.Glu70Argfs*41) in the GRM6 gene. It is expected to result in an absent or disrupted protein product. Loss-of-function variants in GRM6 are known to be pathogenic (PMID: 15781871, 16622103, 22008250). This variant is not present in population databases (gnomAD no frequency). This variant has not been reported in the literature in individuals affected with GRM6-related conditions. ClinVar contains an entry for this variant (Variation ID: 2111268). For these reasons, this variant has been classified as Pathogenic.

Literature cited by the submitters: PubMed 15781871; PubMed 16622103; PubMed 22008250.